The following is an entry in ClinVar:

ClinVar aggregate classification (germline): Uncertain significance (1 of 4 stars; one submission).

Submission:

Labcorp Genetics (formerly Invitae), Labcorp
Classification: Uncertain significance. Last evaluated: 2022-07-30. Review status: criteria provided, single submitter. Criteria: Invitae Variant Classification Sherloc (09022015). Collection method: clinical testing. Allele origin: germline.
Comment: This sequence change replaces arginine, which is basic and polar, with serine, which is neutral and polar, at codon 216 of the DNAJC21 protein (p.Arg216Ser). This variant is not present in population databases (gnomAD no frequency). This variant has not been reported in the literature in individuals affected with DNAJC21-related conditions. Algorithms developed to predict the effect of missense changes on protein structure and function are either unavailable or do not agree on the potential impact of this missense change (SIFT: "Deleterious"; PolyPhen-2: "Probably Damaging"; Align-GVGD: "Class C0"). In summary, the available evidence is currently insufficient to determine the role of this variant in disease. Therefore, it has been classified as a Variant of Uncertain Significance.

NM_001012339.3(DNAJC21):c.648A>C (p.Arg216Ser)

Gene: DNAJC21 (DnaJ heat shock protein family (Hsp40) member C21; plus strand). Cytogenetic location: 5p13.2.
Variant type: single nucleotide variant.
Coding change: c.648A>C on transcript NM_001012339.3 (MANE Select); coding-DNA position 648, A replaced by C.
Protein change: p.Arg216Ser; replaces arginine 216 with serine.
Molecular consequence: missense variant.
Genome position (GRCh38, 1-based): chr5:34,937,535, A>C. VCF-style: chr5-34937535-A-C. GRCh37 (hg19) VCF-style: chr5-34937640-A-C.
Other names: c.648A>C, p.Arg216Ser (NM_001348420.2, NM_194283.4); short protein forms R216S.
Identifiers: ClinVar variation 1714541 (VCV001714541.5), dbSNP rs2480599137, ClinGen allele CA359415465.
Genomic context (GRCh38, chr5:34,937,535, plus strand): 5'-GAAAGAGAAGAATGAGCTTGTCCGTCAGCTGGTAGCTTTCATTCGTAAAAGAGATAAAAG[A>C]GTGCAGGCGCATCGAAAACTTGTGGAAGAACAGAATGCAGAGAAGGCGAGGAAAGCCGAA-3'
Protein context (NP_001012339.2, residues 206-226): LVAFIRKRDK[Arg216Ser]VQAHRKLVEE